The following is an entry in ClinVar:

ClinVar aggregate classification (germline): Benign. Review status: criteria provided, multiple submitters, no conflicts (2 of 4 stars). 3 submissions from 3 submitters: Benign (2). 1 of the submissions does not count toward it. Last evaluated 2026-02-01.

Conditions:
KRT6B-related disorder. Also called: KRT6B-related condition.

Allele frequency attached by ClinVar (database versions not stated): gnomAD exomes 0.00447 and 0.00996; ExAC 0.01145; gnomAD 0.03228 and 0.03422; ESP Exome Variant Server 0.03523; TOPMed 0.03648; 1000 Genomes Project 0.03694; 1000 Genomes Project 30x 0.03873.
gnomAD v4.1: 11,774 of 1,614,156 alleles (0.73%); highest among the groups gnomAD compares: African/African-American, 11%; 448 homozygotes.

Submissions (3):

Labcorp Genetics (formerly Invitae), Labcorp
Classification: Benign. Last evaluated: 2026-02-01. Review status: criteria provided, single submitter. Criteria: Invitae Variant Classification Sherloc (09022015). Collection method: clinical testing. Allele origin: germline.

Breakthrough Genomics
Classification: Benign. Review status: criteria provided, single submitter. Criteria: ACMG Guidelines, 2015. Collection method: not provided. Allele origin: germline. Inheritance: Autosomal dominant inheritance. Affected: yes.

PreventionGenetics, part of Exact Sciences
Classification: Benign for KRT6B-related condition. Last evaluated: 2024-03-27. Review status: no assertion criteria provided. Collection method: clinical testing. Allele origin: germline. Not counted in ClinVar's aggregate classification.
Comment: This variant is classified as benign based on ACMG/AMP sequence variant interpretation guidelines (Richards et al. 2015 PMID: 25741868, with internal and published modifications).

NM_005555.4(KRT6B):c.1308G>A (p.Lys436=)

Gene: KRT6B (keratin 6B; minus strand). Cytogenetic location: 12q13.13.
Variant type: single nucleotide variant.
Coding change: c.1308G>A on transcript NM_005555.4 (MANE Select); coding-DNA position 1308, G replaced by A.
Protein change: p.Lys436=; no amino-acid change (lysine 436 retained).
Molecular consequence: synonymous variant.
Genome position (GRCh38, 1-based): chr12:52,447,894, C>T on the plus strand (G>A on the coding strand, the complement: KRT6B is on the minus strand). VCF-style: chr12-52447894-C-T. GRCh37 (hg19) VCF-style: chr12-52841678-C-T.
Other names: c.1308G>A (NM_005555.3).
Identifiers: ClinVar variation 1538326 (VCV001538326.10), dbSNP rs142940927, ClinGen allele CA6580451.
Genomic context (GRCh38, chr12:52,447,894, plus strand): 5'-CAGCTTGACGTTCATCAGCTCCTGGTACTCCTTCAGCAGCCGGGCCAGGTCCTGCTTGGC[C>T]TTCTGCAGGGCATCCTCCAGCCCTTCCAGCTTGTTCTTAGCATCCTTGAGGGCCATCTCC-3'
Protein context (NP_005546.2, residues 426-446): KLEGLEDALQ[Lys436=]AKQDLARLLK